The following is an entry in ClinVar:

NM_001244008.2(KIF1A):c.5022-1G>A

Gene: KIF1A (kinesin family member 1A; minus strand). Cytogenetic location: 2q37.3.
Variant type: single nucleotide variant.
Coding change: c.5022-1G>A on transcript NM_001244008.2 (MANE Select); the canonical splice acceptor site of the intron before coding-DNA position 5022, G replaced by A.
Molecular consequence: splice acceptor variant.
Genome position (GRCh38, 1-based): chr2:240,719,199, C>T on the plus strand (G>A on the coding strand, the complement: KIF1A is on the minus strand). VCF-style: chr2-240719199-C-T. GRCh37 (hg19) VCF-style: chr2-241658616-C-T.
Other names: c.4719-1G>A (NM_001379653.1, NM_001379650.1, NM_001379641.1 and 2 more transcripts); c.4995-1G>A (NM_001379645.1, NM_001379633.1); c.4845-1G>A (NM_001379635.1, NM_001379646.1); c.4716-1G>A (NM_001379640.1); c.4743-1G>A (NM_001379639.1); c.4746-1G>A (NM_001379649.1, NM_001320705.2); c.4833-1G>A (NM_001379636.1); c.4998-1G>A (NM_001379632.1); and 7 more.
Identifiers: ClinVar variation 4784147 (VCV004784147.1).
Genomic context (GRCh38, chr2:240,719,199, plus strand): 5'-GCCCAGCCTGACGTGTGCGGCTCCAGGAAGTGCAGGTACCCCTTCTTGGAAACGATCGGG[C>T]TGAAGGCAGAGAGAGCTGCTCGCTGGGGCCCTCGGTGGGGGCAGCGACTGACTCGGGCAC-3'

ClinVar aggregate classification (germline): Likely pathogenic (1 of 4 stars; one submission).

Conditions:
Neuropathy, hereditary sensory, type 2C. Also called: KIF1A-Related HSAN2 (HSAN2C); Hereditary sensory and autonomic neuropathy type IIC. Identifiers: Orphanet 970, MedGen C3280168, MONDO:0013634, OMIM 614213.
Hereditary spastic paraplegia 30. Identifiers: Orphanet 101010, MedGen C5235139, MONDO:0012476.
Intellectual disability, autosomal dominant 9 (NESCAVS). Also called: KIF1A-Related Neurodevelopmental Disorder; NESCAV SYNDROME. Identifiers: Orphanet 662367, MedGen C5393830, MONDO:0013656, OMIM 614255.

Submission:

Labcorp Genetics (formerly Invitae), Labcorp
Classification: Likely pathogenic for Hereditary spastic paraplegia 30; Neuropathy, hereditary sensory, type 2C; Intellectual disability, autosomal dominant 9. Last evaluated: 2025-05-04. Review status: criteria provided, single submitter. Criteria: Invitae Variant Classification Sherloc (09022015). Collection method: clinical testing. Allele origin: germline.
Comment: This sequence change affects an acceptor splice site in intron 43 of the KIF1A gene. It is expected to disrupt RNA splicing. Variants that disrupt the donor or acceptor splice site typically lead to a loss of protein function (PMID: 16199547), and loss-of-function variants in KIF1A are known to be pathogenic (PMID: 21820098). This variant is not present in population databases (gnomAD no frequency). This variant has not been reported in the literature in individuals affected with KIF1A-related conditions. Algorithms developed to predict the effect of sequence changes on RNA splicing suggest that this variant may disrupt the consensus splice site. In summary, the currently available evidence indicates that the variant is pathogenic, but additional data are needed to prove that conclusively. Therefore, this variant has been classified as Likely Pathogenic.

Literature cited by the submitters: PubMed 16199547; PubMed 21820098.